The following is an entry in ClinVar:

ClinVar aggregate classification (germline): Uncertain significance (1 of 4 stars; one submission).

Allele frequency attached by ClinVar (database versions not stated): TOPMed 0.00002; gnomAD 0.00003; ExAC 0.00004; gnomAD exomes 0.00004; ESP Exome Variant Server 0.00015; 1000 Genomes Project 30x 0.00016; 1000 Genomes Project 0.00020.
gnomAD v4.1: 38 of 1,614,130 alleles (0.0024%); highest among the groups gnomAD compares: Admixed American, 0.005%; no homozygotes.

Submission:

Labcorp Genetics (formerly Invitae), Labcorp
Classification: Uncertain significance. Last evaluated: 2022-03-27. Review status: criteria provided, single submitter. Criteria: Invitae Variant Classification Sherloc (09022015). Collection method: clinical testing. Allele origin: germline.
Comment: This sequence change replaces alanine, which is neutral and non-polar, with threonine, which is neutral and polar, at codon 187 of the FCHO1 protein (p.Ala187Thr). This variant is present in population databases (rs374155212, gnomAD 0.007%). This variant has not been reported in the literature in individuals affected with FCHO1-related conditions. Algorithms developed to predict the effect of missense changes on protein structure and function (SIFT, PolyPhen-2, Align-GVGD) all suggest that this variant is likely to be tolerated. In summary, the available evidence is currently insufficient to determine the role of this variant in disease. Therefore, it has been classified as a Variant of Uncertain Significance.

NM_015122.3(FCHO1):c.559G>A (p.Ala187Thr)

Gene: FCHO1 (FCH and mu domain containing endocytic adaptor 1; plus strand). Cytogenetic location: 19p13.11.
Variant type: single nucleotide variant.
Coding change: c.559G>A on transcript NM_015122.3 (MANE Select); coding-DNA position 559, G replaced by A.
Protein change: p.Ala187Thr; replaces alanine 187 with threonine.
Molecular consequence: missense variant. On other transcripts: non-coding transcript variant (36).
Genome position (GRCh38, 1-based): chr19:17,770,861, G>A. VCF-style: chr19-17770861-G-A. GRCh37 (hg19) VCF-style: chr19-17881670-G-A.
Other names: c.559G>A, p.Ala187Thr (NM_001161357.2, NM_001161358.2, NM_001384370.1 and 26 more transcripts); c.409G>A, p.Ala137Thr (NM_001161359.2, NM_001384384.1, NM_001384385.1 and 3 more transcripts); c.520G>A, p.Ala174Thr (NM_001384388.1, NM_001384389.1, NM_001384405.1); c.484G>A, p.Ala162Thr (NM_001384390.1); short protein forms A137T, A162T, A174T, A187T.
Identifiers: ClinVar variation 1410026 (VCV001410026.3), dbSNP rs374155212, ClinGen allele CA9300145.